The following is an entry in ClinVar:

ClinVar aggregate classification (germline): Uncertain significance (1 of 4 stars; one submission).

Conditions:
KBG syndrome (KBGS). Also called: ANKRD11-Related KBG Syndrome. Identifiers: Orphanet 2332, MedGen C0220687, MONDO:0007846, OMIM 148050.

Submission:

Labcorp Genetics (formerly Invitae), Labcorp
Classification: Uncertain significance for KBG syndrome. Last evaluated: 2024-11-14. Review status: criteria provided, single submitter. Criteria: Invitae Variant Classification Sherloc (09022015). Collection method: clinical testing. Allele origin: germline.
Comment: This sequence change replaces leucine, which is neutral and non-polar, with valine, which is neutral and non-polar, at codon 913 of the ANKRD11 protein (p.Leu913Val). This variant is not present in population databases (gnomAD no frequency). This variant has not been reported in the literature in individuals affected with ANKRD11-related conditions. Invitae Evidence Modeling of protein sequence and biophysical properties (such as structural, functional, and spatial information, amino acid conservation, physicochemical variation, residue mobility, and thermodynamic stability) indicates that this missense variant is not expected to disrupt ANKRD11 protein function with a negative predictive value of 95%. In summary, the available evidence is currently insufficient to determine the role of this variant in disease. Therefore, it has been classified as a Variant of Uncertain Significance.

NM_013275.6(ANKRD11):c.2737T>G (p.Leu913Val)

Gene: ANKRD11 (ankyrin repeat domain 11; minus strand). Cytogenetic location: 16q24.3.
Variant type: single nucleotide variant.
Coding change: c.2737T>G on transcript NM_013275.6 (MANE Select); coding-DNA position 2737, T replaced by G.
Protein change: p.Leu913Val; replaces leucine 913 with valine.
Molecular consequence: missense variant.
Genome position (GRCh38, 1-based): chr16:89,283,805, A>C on the plus strand (T>G on the coding strand, the complement: ANKRD11 is on the minus strand). VCF-style: chr16-89283805-A-C. GRCh37 (hg19) VCF-style: chr16-89350213-A-C.
Other names: c.2737T>G, p.Leu913Val (NM_001256182.2, NM_001256183.2); short protein forms L913V.
Identifiers: ClinVar variation 3637145 (VCV003637145.2).